The following is an entry in ClinVar:

NM_001080421.3(UNC13A):c.457G>T (p.Asp153Tyr)

Gene: UNC13A (unc-13 homolog A; minus strand). Cytogenetic location: 19p13.11.
Variant type: single nucleotide variant.
Coding change: c.457G>T on transcript NM_001080421.3 (MANE Select); coding-DNA position 457, G replaced by T.
Protein change: p.Asp153Tyr; replaces aspartic acid 153 with tyrosine.
Molecular consequence: missense variant.
Genome position (GRCh38, 1-based): chr19:17,668,128, C>A on the plus strand (G>T on the coding strand, the complement: UNC13A is on the minus strand). VCF-style: chr19-17668128-C-A. GRCh37 (hg19) VCF-style: chr19-17778937-C-A.
Other names: c.457G>T, p.Asp153Tyr (NM_001387021.1, NM_001387022.1, NM_001387023.1); short protein forms D153Y.
Identifiers: ClinVar variation 728806 (VCV000728806.7), dbSNP rs552052890, ClinGen allele CA9298771.

ClinVar aggregate classification (germline): Benign. Review status: criteria provided, multiple submitters, no conflicts (2 of 4 stars). 3 submissions from 3 submitters: Benign (2). 1 of the submissions does not count toward it. Last evaluated 2026-07-01.

Conditions:
UNC13A-related disorder. Also called: UNC13A-related condition.

Allele frequency attached by ClinVar (database versions not stated): 1000 Genomes Project 30x 0.00109; 1000 Genomes Project 0.00140; gnomAD 0.00001 and 0.00030; TOPMed 0.00003; gnomAD exomes 0.00096; ExAC 0.00104.
gnomAD v4.1: 820 of 1,613,786 alleles (0.051%); highest among the groups gnomAD compares: South Asian, 0.87%; 6 homozygotes.

Submissions (3):

CeGaT Center for Human Genetics Tuebingen
Classification: Benign. Last evaluated: 2026-07-01. Review status: criteria provided, single submitter. Criteria: CeGaT Center For Human Genetics Tuebingen Variant Classification Criteria Version 2. Collection method: clinical testing. Allele origin: germline. Affected: yes. Observed: 1 variant allele.
Comment: UNC13A: PP3, BS1, BS2

Labcorp Genetics (formerly Invitae), Labcorp
Classification: Benign. Last evaluated: 2019-12-31. Review status: criteria provided, single submitter. Criteria: Invitae Variant Classification Sherloc (09022015). Collection method: clinical testing. Allele origin: germline.

PreventionGenetics, part of Exact Sciences
Classification: Likely benign for UNC13A-related condition. Last evaluated: 2019-04-05. Review status: no assertion criteria provided. Collection method: clinical testing. Allele origin: germline. Not counted in ClinVar's aggregate classification.
Comment: This variant is classified as likely benign based on ACMG/AMP sequence variant interpretation guidelines (Richards et al. 2015 PMID: 25741868, with internal and published modifications).